The following is an entry in ClinVar:

NM_001378743.1(CYLD):c.955C>T (p.Leu319Phe)

Gene: CYLD (CYLD lysine 63 deubiquitinase; plus strand). Cytogenetic location: 16q12.1.
Variant type: single nucleotide variant.
Coding change: c.955C>T on transcript NM_001378743.1 (MANE Select); coding-DNA position 955, C replaced by T.
Protein change: p.Leu319Phe; replaces leucine 319 with phenylalanine.
Molecular consequence: missense variant. On other transcripts: non-coding transcript variant (1).
Genome position (GRCh38, 1-based): chr16:50,776,211, C>T. VCF-style: chr16-50776211-C-T. GRCh37 (hg19) VCF-style: chr16-50810122-C-T.
Other names: c.946C>T, p.Leu316Phe (NM_001042355.2, NM_001042412.3, NM_001378744.1 and 9 more transcripts); c.280C>T, p.Leu94Phe (NM_001378754.1, NM_001378755.1); c.955C>T, p.Leu319Phe (NM_015247.3); short protein forms L316F, L319F, L94F.
Identifiers: ClinVar variation 4799733 (VCV004799733.1).

ClinVar aggregate classification (germline): Uncertain significance (1 of 4 stars; one submission).

Submission:

Labcorp Genetics (formerly Invitae), Labcorp
Classification: Uncertain significance. Last evaluated: 2025-12-15. Review status: criteria provided, single submitter. Criteria: Invitae Variant Classification Sherloc (09022015). Collection method: clinical testing. Allele origin: germline.
Comment: This sequence change replaces leucine, which is neutral and non-polar, with phenylalanine, which is neutral and non-polar, at codon 319 of the CYLD protein (p.Leu319Phe). This variant is not present in population databases (gnomAD no frequency). This variant has not been reported in the literature in individuals affected with CYLD-related conditions. Invitae Evidence Modeling of protein sequence and biophysical properties (such as structural, functional, and spatial information, amino acid conservation, physicochemical variation, residue mobility, and thermodynamic stability) indicates that this missense variant is not expected to disrupt CYLD protein function with a negative predictive value of 80%. In summary, the available evidence is currently insufficient to determine the role of this variant in disease. Therefore, it has been classified as a Variant of Uncertain Significance.